The following is an entry in ClinVar:

NM_001330078.2(NRXN1):c.1582A>C (p.Lys528Gln)

Gene: NRXN1 (neurexin 1; minus strand). Cytogenetic location: 2p16.3.
Variant type: single nucleotide variant.
Coding change: c.1582A>C on transcript NM_001330078.2 (MANE Select); coding-DNA position 1582, A replaced by C.
Protein change: p.Lys528Gln; replaces lysine 528 with glutamine.
Molecular consequence: missense variant.
Genome position (GRCh38, 1-based): chr2:50,552,764, T>G on the plus strand (A>C on the coding strand, the complement: NRXN1 is on the minus strand). VCF-style: chr2-50552764-T-G. GRCh37 (hg19) VCF-style: chr2-50779902-T-G.
Other names: c.1702A>C, p.Lys568Gln (NM_001135659.3); c.1558A>C, p.Lys520Gln (NM_001330077.2, NM_001330082.2, NM_001330095.2); c.1543A>C, p.Lys515Gln (NM_001330083.2, NM_001330084.2); c.1582A>C, p.Lys528Gln (NM_001330085.2, NM_001330086.2, NM_004801.6); c.1498A>C, p.Lys500Gln (NM_001330087.2, NM_001330096.2); c.1528A>C, p.Lys510Gln (NM_001330088.2); c.1579A>C, p.Lys527Gln (NM_001330093.2); c.1570A>C, p.Lys524Gln (NM_001330094.2); short protein forms K500Q, K510Q, K528Q, K520Q, K527Q, K568Q, K515Q, K524Q.
Identifiers: ClinVar variation 4722733 (VCV004722733.1).
Genomic context (GRCh38, chr2:50,552,764, plus strand): 5'-CATCTAGCATCTCAATAGCAAAGAAGTCCACCTTTATCATCTGTGGGTGCTTGGCATCTT[T>G]CTGATGTCTTGGCTTGCCATGGCTAAATAAGATGAGGCCATTTGGCTCTGTTGTACGGAA-3'
Protein context (NP_001317007.1, residues 518-538): LFSHGKPRHQ[Lys528Gln]DAKHPQMIKV

ClinVar aggregate classification (germline): Uncertain significance (1 of 4 stars; one submission).

Conditions:
Pitt-Hopkins-like syndrome 2 (PTHSL2). Identifiers: Orphanet 221150, Orphanet 600663, MedGen C3280479, MONDO:0013690, OMIM 614325.

Submission:

Labcorp Genetics (formerly Invitae), Labcorp
Classification: Uncertain significance for Pitt-Hopkins-like syndrome 2. Last evaluated: 2025-07-06. Review status: criteria provided, single submitter. Criteria: Invitae Variant Classification Sherloc (09022015). Collection method: clinical testing. Allele origin: germline.
Comment: This sequence change replaces lysine, which is basic and polar, with glutamine, which is neutral and polar, at codon 568 of the NRXN1 protein (p.Lys568Gln). This variant is not present in population databases (gnomAD no frequency). This variant has not been reported in the literature in individuals affected with NRXN1-related conditions. An algorithm developed to predict the effect of missense changes on protein structure and function (PolyPhen-2) suggests that this variant is likely to be tolerated. In summary, the available evidence is currently insufficient to determine the role of this variant in disease. Therefore, it has been classified as a Variant of Uncertain Significance.